The following is an entry in ClinVar:

ClinVar aggregate classification (germline): Uncertain significance (1 of 4 stars; one submission).

Conditions:
Hypertrophic cardiomyopathy. Also called: HYPERTROPHIC MYOCARDIOPATHY. Identifiers: Orphanet 217569, MedGen C0007194, MeSH D002312, MONDO:0005045, HP:0001639.

Submission:

Labcorp Genetics (formerly Invitae), Labcorp
Classification: Uncertain significance for Hypertrophic cardiomyopathy. Last evaluated: 2022-03-29. Review status: criteria provided, single submitter. Criteria: Invitae Variant Classification Sherloc (09022015). Collection method: clinical testing. Allele origin: germline.
Comment: This sequence change replaces alanine, which is neutral and non-polar, with threonine, which is neutral and polar, at codon 1663 of the MYH7 protein (p.Ala1663Thr). This variant is not present in population databases (gnomAD no frequency). This variant has not been reported in the literature in individuals affected with MYH7-related conditions. Algorithms developed to predict the effect of missense changes on protein structure and function are either unavailable or do not agree on the potential impact of this missense change (SIFT: "Deleterious"; PolyPhen-2: "Benign"; Align-GVGD: "Class C0"). In summary, the available evidence is currently insufficient to determine the role of this variant in disease. Therefore, it has been classified as a Variant of Uncertain Significance.

NM_000257.4(MYH7):c.4987G>A (p.Ala1663Thr)

Genes: MHRT (myosin heavy chain associated RNA transcript; plus strand), MYH7 (myosin heavy chain 7; minus strand), LOC126861897 (BRD4-independent group 4 enhancer GRCh37_chr14:23884455-23885654; plus strand). Cytogenetic location: 14q11.2.
Variant type: single nucleotide variant.
Coding change: c.4987G>A on transcript NM_000257.4 (MANE Select); coding-DNA position 4987, G replaced by A.
Protein change: p.Ala1663Thr; replaces alanine 1663 with threonine.
Molecular consequence: missense variant. On other transcripts: non-coding transcript variant (1).
Genome position (GRCh38, 1-based): chr14:23,415,799, C>T on the plus strand (G>A on the coding strand, the complement: MYH7 is on the minus strand). VCF-style: chr14-23415799-C-T. GRCh37 (hg19) VCF-style: chr14-23885008-C-T.
Other names: c.4987G>A, p.Ala1663Thr (NM_001407004.1); short protein forms A1663T.
Identifiers: ClinVar variation 1915560 (VCV001915560.2), dbSNP rs797044601, ClinGen allele CA389037193.